The following is an entry in ClinVar:

ClinVar aggregate classification (germline): Uncertain significance (1 of 4 stars; one submission).

Submission:

GeneDx
Classification: Uncertain significance. Last evaluated: 2019-10-27. Review status: criteria provided, single submitter. Criteria: GeneDx Variant Classification Process June 2021. Collection method: clinical testing. Allele origin: germline. Affected: yes.
Comment: Not observed in large population cohorts (Lek et al., 2016); Frameshift variant predicted to result in protein truncation or nonsense mediated decay in a gene for which loss-of-function is not a known mechanism of disease; Has not been previously published as pathogenic or benign to our knowledge

NM_001330288.2(SMARCC2):c.1658_1667del (p.Gln553fs)

Gene: SMARCC2 (SWI/SNF related, matrix associated, actin dependent regulator of chromatin subfamily c member 2; minus strand). Cytogenetic location: 12q13.2.
Variant type: Deletion.
Coding change: c.1658_1667del on transcript NM_001330288.2 (MANE Select); coding-DNA positions 1658 to 1667, 10 bases deleted (AGGTTGATGC; older notation c.1658_1667delAGGTTGATGC).
Protein change: p.Gln553fs; shifts the reading frame from glutamine 553.
Molecular consequence: frameshift variant. On other transcripts: intron variant (1).
Genome position (GRCh38, 1-based): chr12:56,173,013-56,173,022, GCATCAACCT deleted on the plus strand (AGGTTGATGC on the coding strand, the reverse complement: SMARCC2 is on the minus strand); deleting any 10 consecutive bases within chr12:56,173,013-56,173,023 gives the same sequence; the c. name uses the placement nearest the transcript's 3' end. VCF-style (leftmost placement, unchanged base first): chr12-56173012-AGCATCAACCT-A. GRCh37 (hg19) VCF-style: chr12-56566796-AGCATCAACCT-A.
Other names: c.1658_1667del, p.Gln553fs (NM_001130420.3, NM_139067.4); c.1651-318_1651-309del (NM_003075.5); short protein forms Q553fs.
Identifiers: ClinVar variation 1312465 (VCV001312465.2), dbSNP rs2135691312, ClinGen allele CA2573053730.